The following is an entry in ClinVar:

ClinVar aggregate classification (germline): Uncertain significance. Review status: criteria provided, multiple submitters, no conflicts (2 of 4 stars). 2 submissions from 2 submitters: Uncertain significance (2). Last evaluated 2024-11-24.

Conditions:
Inborn genetic diseases. Identifiers: MedGen C0950123, MeSH D030342.
Perlman syndrome (PRLMNS). Identifiers: Orphanet 2849, MedGen C0796113, MONDO:0009965, OMIM 267000.

Allele frequency attached by ClinVar (database versions not stated): gnomAD exomes 0.00001; TOPMed 0.00001; gnomAD 0.00003.
gnomAD v4.1: 5 of 1,613,864 alleles (0.00031%); highest among the groups gnomAD compares: Non-Finnish European, 0.00042%; no homozygotes.

Submissions (2):

Ambry Genetics
Classification: Uncertain significance for Inborn genetic diseases. Last evaluated: 2024-11-24. Review status: criteria provided, single submitter. Criteria: Ambry Variant Classification Scheme 2023. Collection method: clinical testing. Allele origin: germline.

Labcorp Genetics (formerly Invitae), Labcorp
Classification: Uncertain significance for Perlman syndrome. Last evaluated: 2017-04-22. Review status: criteria provided, single submitter. Criteria: Invitae Variant Classification Sherloc (09022015). Collection method: clinical testing. Allele origin: germline.
Comment: Algorithms developed to predict the effect of missense changes on protein structure and function do not agree on the potential impact of this missense change (SIFT: "Deleterious"; PolyPhen-2: "Probably Damaging"; Align-GVGD: "Class C0"). In summary, this variant is a novel missense change with uncertain impact on protein function. It has been classified as a Variant of Uncertain Significance. This variant is not present in population databases (ExAC no frequency) and has not been reported in the literature in individuals with a DIS3L2-related disease. This sequence change replaces serine with asparagine at codon 433 of the DIS3L2 protein (p.Ser433Asn). The serine residue is highly conserved and there is a small physicochemical difference between serine and asparagine.

NM_152383.5(DIS3L2):c.1298G>A (p.Ser433Asn)

Gene: DIS3L2 (DIS3 like 3'-5' exoribonuclease 2; plus strand). Cytogenetic location: 2q37.1.
Variant type: single nucleotide variant.
Coding change: c.1298G>A on transcript NM_152383.5 (MANE Select); coding-DNA position 1298, G replaced by A.
Protein change: p.Ser433Asn; replaces serine 433 with asparagine.
Molecular consequence: missense variant. On other transcripts: non-coding transcript variant (2).
Genome position (GRCh38, 1-based): chr2:232,238,626, G>A. VCF-style: chr2-232238626-G-A. GRCh37 (hg19) VCF-style: chr2-233103336-G-A.
Other names: c.1298G>A, p.Ser433Asn (NM_001257281.2); short protein forms S433N.
Identifiers: ClinVar variation 463057 (VCV000463057.9), dbSNP rs1449339410, ClinGen allele CA351154753.